The following is an entry in ClinVar:

ClinVar aggregate classification (germline): Uncertain significance (1 of 4 stars; one submission).

Submission:

GeneDx
Classification: Uncertain significance. Last evaluated: 2020-10-14. Review status: criteria provided, single submitter. Criteria: GeneDx Variant Classification Process June 2021. Collection method: clinical testing. Allele origin: germline. Affected: yes.
Comment: Not observed in large population cohorts (Lek et al., 2016); In-frame deletion of 1 amino acid in a non-repeat region; Has not been previously published as pathogenic or benign to our knowledge

NM_004606.5(TAF1):c.2734_2736del (p.Pro912del)

Gene: TAF1 (TATA-box binding protein associated factor 1; plus strand). Cytogenetic location: Xq13.1.
Variant type: Deletion.
Coding change: c.2734_2736del on transcript NM_004606.5 (MANE Select); coding-DNA positions 2734 to 2736, 3 bases deleted (CCA; older notation c.2734_2736delCCA).
Protein change: p.Pro912del; deletes proline 912.
Molecular consequence: inframe deletion. On other transcripts: non-coding transcript variant (9).
Genome position (GRCh38, 1-based): chrX:71,389,618-71,389,620, CCA deleted. VCF-style (leftmost placement, unchanged base first): chrX-71389617-TCCA-T. GRCh37 (hg19) VCF-style: chrX-70609467-TCCA-T.
Other names: c.2734_2736del, p.Pro912del (NM_001286074.2); c.2671_2673del, p.Pro891del (NM_138923.4); short protein forms P891del, P912del.
Identifiers: ClinVar variation 1313375 (VCV001313375.2), dbSNP rs2148347751, ClinGen allele CA2573055393.